The following is an entry in ClinVar:

NM_020631.6(PLEKHG5):c.2157G>A (p.Glu719=)

Gene: PLEKHG5 (pleckstrin homology and RhoGEF domain containing G5; minus strand). Cytogenetic location: 1p36.31.
Variant type: single nucleotide variant.
Coding change: c.2157G>A on transcript NM_020631.6 (MANE Select); coding-DNA position 2157, G replaced by A.
Protein change: p.Glu719=; no amino-acid change (glutamic acid 719 retained).
Molecular consequence: synonymous variant.
Genome position (GRCh38, 1-based): chr1:6,469,134, C>T on the plus strand (G>A on the coding strand, the complement: PLEKHG5 is on the minus strand). VCF-style: chr1-6469134-C-T. GRCh37 (hg19) VCF-style: chr1-6529194-C-T.
Other names: c.2268G>A, p.Glu756= (NM_001042663.3, NM_001265592.2); c.2157G>A, p.Glu719= (NM_001042664.2, NM_001042665.2, NM_001265594.3 and 1 more transcripts); c.2364G>A, p.Glu788= (NM_001265593.2).
Identifiers: ClinVar variation 1694484 (VCV001694484.31), dbSNP rs2148578302, ClinGen allele CA416022285.

ClinVar aggregate classification (germline): Likely benign (1 of 4 stars; one submission).

Submission:

CeGaT Center for Human Genetics Tuebingen
Classification: Likely benign. Last evaluated: 2022-05-01. Review status: criteria provided, single submitter. Criteria: CeGaT Center For Human Genetics Tuebingen Variant Classification Criteria Version 2. Collection method: clinical testing. Allele origin: germline. Affected: yes. Observed: 1 variant allele.
Comment: PLEKHG5: PM2:Supporting, BP4, BP7